The following is an entry in ClinVar:

ClinVar aggregate classification (germline): Uncertain significance (1 of 4 stars; one submission).

Allele frequency attached by ClinVar (database versions not stated): gnomAD exomes below 0.00001.
gnomAD v4.1: 4 of 1,613,628 alleles (0.00025%); highest among the groups gnomAD compares: Non-Finnish European, 0.00034%; no homozygotes.

Submission:

Labcorp Genetics (formerly Invitae), Labcorp
Classification: Uncertain significance. Last evaluated: 2022-08-04. Review status: criteria provided, single submitter. Criteria: Invitae Variant Classification Sherloc (09022015). Collection method: clinical testing. Allele origin: germline.
Comment: In summary, the available evidence is currently insufficient to determine the role of this variant in disease. Therefore, it has been classified as a Variant of Uncertain Significance. Advanced modeling of protein sequence and biophysical properties (such as structural, functional, and spatial information, amino acid conservation, physicochemical variation, residue mobility, and thermodynamic stability) performed at Invitae indicates that this missense variant is expected to disrupt TYMP protein function. This variant has not been reported in the literature in individuals affected with TYMP-related conditions. This variant is not present in population databases (gnomAD no frequency). This sequence change replaces glycine, which is neutral and non-polar, with alanine, which is neutral and non-polar, at codon 237 of the TYMP protein (p.Gly237Ala).

NM_001953.5(TYMP):c.710G>C (p.Gly237Ala)

Gene: TYMP (thymidine phosphorylase; minus strand). Cytogenetic location: 22q13.33.
Variant type: single nucleotide variant.
Coding change: c.710G>C on transcript NM_001953.5 (MANE Select); coding-DNA position 710, G replaced by C.
Protein change: p.Gly237Ala; replaces glycine 237 with alanine.
Molecular consequence: missense variant.
Genome position (GRCh38, 1-based): chr22:50,527,220, C>G on the plus strand (G>C on the coding strand, the complement: TYMP is on the minus strand). VCF-style: chr22-50527220-C-G. GRCh37 (hg19) VCF-style: chr22-50965649-C-G.
Other names: c.710G>C, p.Gly237Ala (NM_001113755.3, NM_001113756.3, NM_001257988.1 and 1 more transcripts); short protein forms G237A.
Identifiers: ClinVar variation 2163662 (VCV002163662.3), dbSNP rs2069423149, ClinGen allele CA412200648.